The following is an entry in ClinVar:

ClinVar aggregate classification (germline): Uncertain significance (1 of 4 stars; one submission).

Allele frequency attached by ClinVar (database versions not stated): gnomAD exomes below 0.00001; gnomAD 0.00001; TOPMed 0.00002.
gnomAD v4.1: 9 of 1,614,012 alleles (0.00056%); highest among the groups gnomAD compares: African/African-American, 0.0027%; no homozygotes.

Submission:

Labcorp Genetics (formerly Invitae), Labcorp
Classification: Uncertain significance. Last evaluated: 2022-02-02. Review status: criteria provided, single submitter. Criteria: Invitae Variant Classification Sherloc (09022015). Collection method: clinical testing. Allele origin: germline.
Comment: In summary, the available evidence is currently insufficient to determine the role of this variant in disease. Therefore, it has been classified as a Variant of Uncertain Significance. Algorithms developed to predict the effect of missense changes on protein structure and function are either unavailable or do not agree on the potential impact of this missense change (SIFT: "Deleterious"; PolyPhen-2: "Benign"; Align-GVGD: "Class C0"). This variant has not been reported in the literature in individuals affected with NEK2-related conditions. This variant is not present in population databases (gnomAD no frequency). This sequence change replaces valine, which is neutral and non-polar, with isoleucine, which is neutral and non-polar, at codon 155 of the NEK2 protein (p.Val155Ile).

NM_002497.4(NEK2):c.463G>A (p.Val155Ile)

Gene: NEK2 (NIMA related kinase 2; minus strand). Cytogenetic location: 1q32.3.
Variant type: single nucleotide variant.
Coding change: c.463G>A on transcript NM_002497.4 (MANE Select); coding-DNA position 463, G replaced by A.
Protein change: p.Val155Ile; replaces valine 155 with isoleucine.
Molecular consequence: missense variant.
Genome position (GRCh38, 1-based): chr1:211,673,575, C>T on the plus strand (G>A on the coding strand, the complement: NEK2 is on the minus strand). VCF-style: chr1-211673575-C-T. GRCh37 (hg19) VCF-style: chr1-211846917-C-T.
Other names: c.463G>A, p.Val155Ile (NM_001204182.2, NM_001204183.2); short protein forms V155I.
Identifiers: ClinVar variation 1503686 (VCV001503686.8), dbSNP rs1411448957, ClinGen allele CA344783782.